The following is an entry in ClinVar:

ClinVar aggregate classification (germline): Uncertain significance. Review status: criteria provided, multiple submitters, no conflicts (2 of 4 stars). 2 submissions from 2 submitters: Uncertain significance (2). Last evaluated 2025-11-20.

Conditions:
Inborn genetic diseases. Identifiers: MedGen C0950123, MeSH D030342.
Autosomal recessive limb-girdle muscular dystrophy type 2D (LGMDR3). Also called: ADHALINOPATHY, PRIMARY; DUCHENNE-LIKE AUTOSOMAL RECESSIVE MUSCULAR DYSTROPHY, TYPE 2; MUSCULAR DYSTROPHY, LIMB-GIRDLE, AUTOSOMAL RECESSIVE 3. Identifiers: Orphanet 62, MedGen C2936332, MONDO:0011968, OMIM 608099. Disease mechanism: Affects gamma-sarcoglycan and also disrupts the integrity of the entire sarcoglycan complex..

Allele frequency attached by ClinVar (database versions not stated): gnomAD exomes below 0.00001; gnomAD 0.00001; TOPMed 0.00002.

Submissions (2):

Ambry Genetics
Classification: Uncertain significance for Inborn genetic diseases. Last evaluated: 2025-11-20. Review status: criteria provided, single submitter. Criteria: Ambry Variant Classification Scheme 2023. Collection method: clinical testing. Allele origin: germline.

Labcorp Genetics (formerly Invitae), Labcorp
Classification: Uncertain significance for Autosomal recessive limb-girdle muscular dystrophy type 2D. Last evaluated: 2023-07-06. Review status: criteria provided, single submitter. Criteria: Invitae Variant Classification Sherloc (09022015). Collection method: clinical testing. Allele origin: germline.
Comment: This variant has not been reported in the literature in individuals affected with SGCA-related conditions. In summary, the available evidence is currently insufficient to determine the role of this variant in disease. Therefore, it has been classified as a Variant of Uncertain Significance. Advanced modeling of protein sequence and biophysical properties (such as structural, functional, and spatial information, amino acid conservation, physicochemical variation, residue mobility, and thermodynamic stability) has been performed at Invitae for this missense variant, however the output from this modeling did not meet the statistical confidence thresholds required to predict the impact of this variant on SGCA protein function. ClinVar contains an entry for this variant (Variation ID: 1020102). The frequency data for this variant in the population databases is considered unreliable, as metrics indicate poor data quality at this position in the gnomAD database. This sequence change replaces alanine, which is neutral and non-polar, with threonine, which is neutral and polar, at codon 220 of the SGCA protein (p.Ala220Thr).

NM_000023.4(SGCA):c.658G>A (p.Ala220Thr)

Gene: SGCA (sarcoglycan alpha; plus strand). Cytogenetic location: 17q21.33.
Variant type: single nucleotide variant.
Coding change: c.658G>A on transcript NM_000023.4 (MANE Select); coding-DNA position 658, G replaced by A.
Protein change: p.Ala220Thr; replaces alanine 220 with threonine.
Molecular consequence: missense variant. On other transcripts: non-coding transcript variant (1), intron variant (1).
Genome position (GRCh38, 1-based): chr17:50,169,165, G>A. VCF-style: chr17-50169165-G-A. GRCh37 (hg19) VCF-style: chr17-48246526-G-A.
Other names: c.658G>A (NM_000023.2); c.584+593G>A (NM_001135697.3); short protein forms A220T.
Identifiers: ClinVar variation 1020102 (VCV001020102.8), dbSNP rs958974999, ClinGen allele CA291536764.
Genomic context (GRCh38, chr17:50,169,165, plus strand): 5'-GTGGGTTCTGCCTCACCTTTTTCTACTTGCCTGAAGATGGTGGCATCCCCCGATAGCCAC[G>A]CCCGCTGTGCCCAGGGCCAGCCTCCACTTCTGTCTTGCTACGACACCTTGGCACCCCACT-3'
Protein context (NP_000014.1, residues 210-230): LKMVASPDSH[Ala220Thr]RCAQGQPPLL